The following is an entry in ClinVar:

NM_001126108.2(SLC12A3):c.2595del (p.Gly866fs)

Gene: SLC12A3 (solute carrier family 12 member 3; plus strand). Cytogenetic location: 16q13.
Variant type: Deletion.
Coding change: c.2595del on transcript NM_001126108.2 (MANE Select); coding-DNA position 2595, one base deleted (A; older notation c.2595delA).
Protein change: p.Gly866fs; shifts the reading frame from glycine 866.
Molecular consequence: frameshift variant.
Genome position (GRCh38, 1-based): chr16:56,894,604, A deleted. VCF-style (leftmost placement, unchanged base first): chr16-56894603-TA-T. GRCh37 (hg19) VCF-style: chr16-56928515-TA-T.
Other names: c.2622del, p.Gly875fs (NM_000339.3); c.2619del, p.Gly874fs (NM_001126107.2); c.2592del, p.Gly865fs (NM_001410896.1); short protein forms G866fs, G865fs, G874fs, G875fs.
Identifiers: ClinVar variation 2869299 (VCV002869299.3), dbSNP rs2474133299, ClinGen allele CA2739266781.
Genomic context (GRCh38, chr16:56,894,603, plus strand): 5'-TCATTCCCTATCTCCTTGGCCGCAAGAGGAGGTGGAGCAAATGCAAGATCCGTGTGTTCG[TA>T]GGCGGCCAGATTAACAGGATGGACCAGGAGAGAAAGGCGTAAGTGTGGAGGGCTGGCCTG-3'

ClinVar aggregate classification (germline): Pathogenic (1 of 4 stars; one submission).

Submission:

Labcorp Genetics (formerly Invitae), Labcorp
Classification: Pathogenic. Last evaluated: 2022-11-14. Review status: criteria provided, single submitter. Criteria: Invitae Variant Classification Sherloc (09022015). Collection method: clinical testing. Allele origin: germline.
Comment: For these reasons, this variant has been classified as Pathogenic. This variant has not been reported in the literature in individuals affected with SLC12A3-related conditions. This variant is not present in population databases (gnomAD no frequency). This sequence change creates a premature translational stop signal (p.Gly875Alafs*18) in the SLC12A3 gene. It is expected to result in an absent or disrupted protein product. Loss-of-function variants in SLC12A3 are known to be pathogenic (PMID: 20848653, 22009145, 25841442).

Literature cited by the submitters: PubMed 20848653; PubMed 22009145; PubMed 25841442.